The following is an entry in ClinVar:

NM_005591.4(MRE11):c.1914G>T (p.Lys638Asn)

Gene: MRE11 (MRE11 double strand break repair nuclease; minus strand). Cytogenetic location: 11q21.
Variant type: single nucleotide variant.
Coding change: c.1914G>T on transcript NM_005591.4 (MANE Select); coding-DNA position 1914, G replaced by T.
Protein change: p.Lys638Asn; replaces lysine 638 with asparagine.
Molecular consequence: missense variant.
Genome position (GRCh38, 1-based): chr11:94,437,189, C>A on the plus strand (G>T on the coding strand, the complement: MRE11 is on the minus strand). VCF-style: chr11-94437189-C-A. GRCh37 (hg19) VCF-style: chr11-94170355-C-A.
Other names: c.1911G>T, p.Lys637Asn (NM_001330347.2); c.1830G>T, p.Lys610Asn (NM_005590.4); short protein forms K610N, K638N, K637N.
Identifiers: ClinVar variation 820332 (VCV000820332.4), dbSNP rs1591642474, ClinGen allele CA382374636.

ClinVar aggregate classification (germline): Uncertain significance (1 of 4 stars; one submission).

Conditions:
Hereditary cancer-predisposing syndrome. Also called: Neoplastic Syndromes, Hereditary; Tumor predisposition; Hereditary Cancer Syndrome; Hereditary neoplastic syndrome. Identifiers: Orphanet 140162, MedGen C0027672, MeSH D009386, MONDO:0015356.

Submission:

Ambry Genetics
Classification: Uncertain significance for Hereditary cancer-predisposing syndrome. Last evaluated: 2018-05-18. Review status: criteria provided, single submitter. Criteria: Ambry Variant Classification Scheme 2023. Collection method: clinical testing. Allele origin: germline.
Comment: The p.K638N variant (also known as c.1914G>T), located in coding exon 16 of the MRE11A gene, results from a G to T substitution at nucleotide position 1914. The lysine at codon 638 is replaced by asparagine, an amino acid with similar properties. This amino acid position is highly conserved in available vertebrate species. In addition, this alteration is predicted to be tolerated by in silico analysis. Since supporting evidence is limited at this time, the clinical significance of this alteration remains unclear.